The following is an entry in ClinVar:

ClinVar aggregate classification (germline): Likely benign (1 of 4 stars; one submission).

Allele frequency attached by ClinVar (database versions not stated): gnomAD exomes 0.00001; gnomAD 0.00001; ExAC 0.00003.
gnomAD v4.1: 18 of 1,612,822 alleles (0.0011%); highest among the groups gnomAD compares: South Asian, 0.019%; no homozygotes.

Submission:

CeGaT Center for Human Genetics Tuebingen
Classification: Likely benign. Last evaluated: 2026-09-01. Review status: criteria provided, single submitter. Criteria: CeGaT Center For Human Genetics Tuebingen Variant Classification Criteria Version 2. Collection method: clinical testing. Allele origin: germline. Affected: yes. Observed: 2 variant alleles.
Comment: RPGRIP1L: BP4, BP7

NM_015272.5(RPGRIP1L):c.1542C>T (p.Asn514=)

Gene: RPGRIP1L (RPGRIP1 like; minus strand). Cytogenetic location: 16q12.2.
Variant type: single nucleotide variant.
Coding change: c.1542C>T on transcript NM_015272.5 (MANE Select); coding-DNA position 1542, C replaced by T.
Protein change: p.Asn514=; no amino-acid change (asparagine 514 retained).
Molecular consequence: synonymous variant.
Genome position (GRCh38, 1-based): chr16:53,657,492, G>A on the plus strand (C>T on the coding strand, the complement: RPGRIP1L is on the minus strand). VCF-style: chr16-53657492-G-A. GRCh37 (hg19) VCF-style: chr16-53691404-G-A.
Other names: c.1542C>T, p.Asn514= (NM_001127897.4, NM_001308334.3, NM_001330538.2).
Identifiers: ClinVar variation 3027191 (VCV003027191.22), dbSNP rs750711521, ClinGen allele CA8057776.